The following is an entry in ClinVar:

NM_004447.6(EPS8):c.646C>G (p.Pro216Ala)

Gene: EPS8 (EGFR pathway substrate 8, signaling adaptor; minus strand). Cytogenetic location: 12p12.3.
Variant type: single nucleotide variant.
Coding change: c.646C>G on transcript NM_004447.6 (MANE Select); coding-DNA position 646, C replaced by G.
Protein change: p.Pro216Ala; replaces proline 216 with alanine.
Molecular consequence: missense variant.
Genome position (GRCh38, 1-based): chr12:15,665,846, G>C on the plus strand (C>G on the coding strand, the complement: EPS8 is on the minus strand). VCF-style: chr12-15665846-G-C. GRCh37 (hg19) VCF-style: chr12-15818780-G-C.
Other names: short protein forms P216A.
Identifiers: ClinVar variation 666693 (VCV000666693.11), dbSNP rs201875630, ClinGen allele CA6467803.

ClinVar aggregate classification (germline): Conflicting classifications of pathogenicity. Review status: criteria provided, conflicting classifications (1 of 4 stars). 4 submissions from 4 submitters: Uncertain significance (1); Likely benign (2). 1 of the submissions does not count toward it. Last evaluated 2023-07-17.

Conditions:
EPS8-related disorder. Also called: EPS8-related condition.

Allele frequency attached by ClinVar (database versions not stated): gnomAD 0.00004 and 0.00006; gnomAD exomes 0.00005 and 0.00015; TOPMed 0.00006; ExAC 0.00018; 1000 Genomes Project 30x 0.00031; 1000 Genomes Project 0.00040.
gnomAD v4.1: 79 of 1,613,998 alleles (0.0049%); highest among the groups gnomAD compares: East Asian, 0.14%; no homozygotes.

Submissions (4):

Labcorp Genetics (formerly Invitae), Labcorp
Classification: Uncertain significance. Last evaluated: 2023-07-17. Review status: criteria provided, single submitter. Criteria: Invitae Variant Classification Sherloc (09022015). Collection method: clinical testing. Allele origin: germline.
Comment: This sequence change replaces proline, which is neutral and non-polar, with alanine, which is neutral and non-polar, at codon 216 of the EPS8 protein (p.Pro216Ala). This variant is present in population databases (rs201875630, gnomAD 0.2%). This variant has not been reported in the literature in individuals affected with EPS8-related conditions. ClinVar contains an entry for this variant (Variation ID: 666693). Advanced modeling of protein sequence and biophysical properties (such as structural, functional, and spatial information, amino acid conservation, physicochemical variation, residue mobility, and thermodynamic stability) performed at Invitae indicates that this missense variant is not expected to disrupt EPS8 protein function. In summary, the available evidence is currently insufficient to determine the role of this variant in disease. Therefore, it has been classified as a Variant of Uncertain Significance.

GeneDx
Classification: Likely benign. Last evaluated: 2020-09-30. Review status: criteria provided, single submitter. Criteria: GeneDx Variant Classification Process June 2021. Collection method: clinical testing. Allele origin: germline. Affected: yes.

Laboratory for Molecular Medicine, Mass General Brigham Personalized Medicine
Classification: Likely benign. Last evaluated: 2019-01-31. Review status: criteria provided, single submitter. Criteria: LMM Criteria. Collection method: clinical testing. Allele origin: germline. Observed: 1 variant allele.
Comment: The p.Pro216Ala variant in EPS8 is classified as likely benign because it has been identified in 0.17% (34/19912) of East Asian chromosomes by gnomAD, and computational prediction tools predict that this variant does not impact the protein. ACMG/AMP Criteria applied: BS1_Supporting, BP4.

PreventionGenetics, part of Exact Sciences
Classification: Likely benign for EPS8-related condition. Last evaluated: 2024-06-17. Review status: no assertion criteria provided. Collection method: clinical testing. Allele origin: germline. Not counted in ClinVar's aggregate classification.
Comment: This variant is classified as likely benign based on ACMG/AMP sequence variant interpretation guidelines (Richards et al. 2015 PMID: 25741868, with internal and published modifications).